The following is an entry in ClinVar:

ClinVar aggregate classification (germline): Uncertain significance (1 of 4 stars; one submission).

Conditions:
Hereditary nonpolyposis colorectal neoplasms. Identifiers: MedGen C0009405, MeSH D003123.

Submission:

Labcorp Genetics (formerly Invitae), Labcorp
Classification: Uncertain significance for Hereditary nonpolyposis colorectal neoplasms. Last evaluated: 2019-12-26. Review status: criteria provided, single submitter. Criteria: Invitae Variant Classification Sherloc (09022015). Collection method: clinical testing. Allele origin: germline.
Comment: This sequence change replaces leucine with arginine at codon 1061 of the MSH6 protein (p.Leu1061Arg). The leucine residue is moderately conserved and there is a moderate physicochemical difference between leucine and arginine. This variant is not present in population databases (ExAC no frequency). This variant has not been reported in the literature in individuals with MSH6-related conditions. Algorithms developed to predict the effect of missense changes on protein structure and function are either unavailable or do not agree on the potential impact of this missense change (SIFT: "Deleterious"; PolyPhen-2: "Possibly Damaging"; Align-GVGD: "Class C0"). In summary, the available evidence is currently insufficient to determine the role of this variant in disease. Therefore, it has been classified as a Variant of Uncertain Significance.

NM_000179.3(MSH6):c.3182T>G (p.Leu1061Arg)

Gene: MSH6 (mutS homolog 6; plus strand). Cytogenetic location: 2p16.3.
Variant type: single nucleotide variant.
Coding change: c.3182T>G on transcript NM_000179.3 (MANE Select); coding-DNA position 3182, T replaced by G.
Protein change: p.Leu1061Arg; replaces leucine 1061 with arginine.
Molecular consequence: missense variant.
Genome position (GRCh38, 1-based): chr2:47,803,429, T>G. VCF-style: chr2-47803429-T-G. GRCh37 (hg19) VCF-style: chr2-48030568-T-G.
Other names: c.2792T>G, p.Leu931Arg (NM_001281492.2); c.2276T>G, p.Leu759Arg (NM_001281493.2, NM_001281494.2); short protein forms L759R, L931R, L1061R.
Identifiers: ClinVar variation 843412 (VCV000843412.11), dbSNP rs1669730426, ClinGen allele CA346757832.
Genomic context (GRCh38, chr2:47,803,429, plus strand): 5'-TGATAAAACCCCCAAACGATGAAGCCTCACTTTTACCCTCTCTTTTAACAGATGTTTTAC[T>G]GTGCCTGGCTAACTATAGTCGAGGGGGTGATGGTCCTATGTGTCGCCCAGTAATTCTGTT-3'
Protein context (NP_000170.1, residues 1051-1071): VECIAVLDVL[Leu1061Arg]CLANYSRGGD